The following is an entry in ClinVar:

NM_006015.6(ARID1A):c.943G>A (p.Asp315Asn)

Genes: ARID1A (AT-rich interaction domain 1A; plus strand), LOC129929837 (ATAC-STARR-seq lymphoblastoid silent region 489; plus strand). Cytogenetic location: 1p36.11.
Variant type: single nucleotide variant.
Coding change: c.943G>A on transcript NM_006015.6 (MANE Select); coding-DNA position 943, G replaced by A.
Protein change: p.Asp315Asn; replaces aspartic acid 315 with asparagine.
Molecular consequence: missense variant.
Genome position (GRCh38, 1-based): chr1:26,697,346, G>A. VCF-style: chr1-26697346-G-A. GRCh37 (hg19) VCF-style: chr1-27023837-G-A.
Other names: c.943G>A, p.Asp315Asn (NM_139135.4); short protein forms D315N.
Identifiers: ClinVar variation 981121 (VCV000981121.4), dbSNP rs2080280611, ClinGen allele CA339266849.

ClinVar aggregate classification (germline): Conflicting classifications of pathogenicity. Review status: criteria provided, conflicting classifications (1 of 4 stars). 2 submissions from 2 submitters: Uncertain significance (1); Benign (1). Last evaluated 2025-09-24.

Allele frequency attached by ClinVar (database versions not stated): gnomAD exomes below 0.00001.

Submissions (2):

Labcorp Genetics (formerly Invitae), Labcorp
Classification: Benign. Last evaluated: 2025-09-24. Review status: criteria provided, single submitter. Criteria: Invitae Variant Classification Sherloc (09022015). Collection method: clinical testing. Allele origin: germline.

Women's Health and Genetics/Laboratory Corporation of America, LabCorp
Classification: Uncertain significance. Last evaluated: 2020-09-30. Review status: criteria provided, single submitter. Criteria: LabCorp Variant Classification Summary - May 2015. Collection method: clinical testing. Allele origin: germline.
Comment: Variant summary: ARID1A c.943G>A (p.Asp315Asn) results in a conservative amino acid change in the encoded protein sequence. Four of five in-silico tools predict a benign effect of the variant on protein function. The variant was absent in 4070 control chromosomes (gnomAD). The available data on variant occurrences in the general population are insufficient to allow any conclusion about variant significance. To our knowledge, no occurrence of c.943G>A in individuals affected with Mental Retardation, Autosomal Dominant 14 and no experimental evidence demonstrating its impact on protein function have been reported. No clinical diagnostic laboratories have submitted clinical-significance assessments for this variant to ClinVar after 2014. Based on the evidence outlined above, the variant was classified as uncertain significance.